The following is an entry in ClinVar:

ClinVar aggregate classification (germline): Pathogenic/Likely pathogenic. Review status: criteria provided, multiple submitters, no conflicts (2 of 4 stars). 2 submissions from 2 submitters: Pathogenic (1); Likely pathogenic (1). Last evaluated 2024-09-02.

Conditions:
SPG7-related disorder. Also called: SPG7-related condition.
Hereditary spastic paraplegia 7 (SPG7). Also called: SPG7-related neurologic disorder; Spastic paraplegia 7; Hereditary spastic paraplegia Paraplegin type; SPASTIC PARAPLEGIA 7, AUTOSOMAL RECESSIVE, WITH OR WITHOUT CEREBELLAR ATAXIA; Autosomal recessive spastic paraplegia type 7. Identifiers: Orphanet 99013, MedGen C1846564, MONDO:0011803, OMIM 607259.

Submissions (2):

Blueprint Genetics
Classification: Likely pathogenic for SPG7-related disorders. Last evaluated: 2024-09-02. Review status: criteria provided, single submitter. Criteria: ACMG Guidelines, 2015. Collection method: clinical testing. Allele origin: germline. Affected: yes. Observed: 2 variant alleles.

Labcorp Genetics (formerly Invitae), Labcorp
Classification: Pathogenic for Hereditary spastic paraplegia 7. Last evaluated: 2022-05-15. Review status: criteria provided, single submitter. Criteria: Invitae Variant Classification Sherloc (09022015). Collection method: clinical testing. Allele origin: germline.
Comment: This sequence change creates a premature translational stop signal (p.Val321Serfs*8) in the SPG7 gene. It is expected to result in an absent or disrupted protein product. Loss-of-function variants in SPG7 are known to be pathogenic (PMID: 21623769, 22964162). This variant is not present in population databases (gnomAD no frequency). This variant has not been reported in the literature in individuals affected with SPG7-related conditions. For these reasons, this variant has been classified as Pathogenic.

Literature cited by the submitters: PubMed 21623769 (cited by Labcorp Genetics (formerly Invitae), Labcorp); PubMed 22964162 (cited by Labcorp Genetics (formerly Invitae), Labcorp).

NM_003119.4(SPG7):c.960del (p.Val321fs)

Gene: SPG7 (SPG7 matrix AAA peptidase subunit, paraplegin; plus strand). Cytogenetic location: 16q24.3.
Variant type: Deletion.
Coding change: c.960del on transcript NM_003119.4 (MANE Select); coding-DNA position 960, one base deleted (A; older notation c.960delA).
Protein change: p.Val321fs; shifts the reading frame from valine 321.
Molecular consequence: frameshift variant.
Genome position (GRCh38, 1-based): chr16:89,530,781, A deleted; the last of 2 consecutive A bases (chr16:89,530,780-89,530,781); deleting either gives the same sequence. VCF-style (leftmost placement, unchanged base first): chr16-89530779-GA-G. GRCh37 (hg19) VCF-style: chr16-89597187-GA-G.
Other names: c.960del, p.Val321fs (NM_001363850.1, NM_199367.3); short protein forms V321fs.
Identifiers: ClinVar variation 2112862 (VCV002112862.5), dbSNP rs2543754551, ClinGen allele CA2580092307.